The following is an entry in ClinVar:

NM_000053.4(ATP7B):c.3061-3C>A

Gene: ATP7B (ATPase copper transporting beta; minus strand). Cytogenetic location: 13q14.3.
Variant type: single nucleotide variant.
Coding change: c.3061-3C>A on transcript NM_000053.4 (MANE Select); 3 bases into the intron before coding-DNA position 3061, C replaced by A.
Molecular consequence: intron variant.
Genome position (GRCh38, 1-based): chr13:51,944,294, G>T on the plus strand (C>A on the coding strand, the complement: ATP7B is on the minus strand). VCF-style: chr13-51944294-G-T. GRCh37 (hg19) VCF-style: chr13-52518430-G-T.
Other names: c.2575-3C>A (NM_001406541.1, NM_001406542.1); c.2809-3C>A (NM_001406531.1, NM_001406532.1, NM_001330579.2); c.2827-3C>A (NM_001406527.1, NM_001406528.1, NM_001406538.1 and 1 more transcripts); c.2722-3C>A (NM_001406537.1); c.2917-3C>A (NM_001406521.1, NM_001406522.1, NM_001406520.1); c.3061-9C>A (NM_001406513.1); c.3061-3C>A (NM_001406511.1, NM_001406512.1, NM_001406526.1); c.2713-3C>A (NM_001406543.1); and 19 more.
Identifiers: ClinVar variation 2736042 (VCV002736042.4), dbSNP rs2547629434, ClinGen allele CA2695218757.

ClinVar aggregate classification (germline): Conflicting classifications of pathogenicity. Review status: criteria provided, conflicting classifications (1 of 4 stars). 2 submissions from 2 submitters: Likely pathogenic (1); Uncertain significance (1). Last evaluated 2026-06-18.

Conditions:
Wilson disease (WND). Also called: Wilson's disease. Identifiers: Orphanet 905, MedGen C0019202, MONDO:0010200, OMIM 277900. Disease mechanism: loss of function.

Submissions (2):

Myriad Genetics, Inc.
Classification: Uncertain significance for Wilson disease. Last evaluated: 2026-06-18. Review status: criteria provided, single submitter. Criteria: Myriad Autosomal Dominant, Autosomal Recessive and X-Linked Classification Criteria (2023). Collection method: clinical testing. Allele origin: unknown.
Comment: NM_000053.3(ATP7B):c.3061-3C>A is an intronic variant classified as a variant of uncertain significance in the context of Wilson disease. c.3061-3C>A has been observed in cases with relevant disease (PMID: 35220961, 24718822, 27398169, 18034201). Relevant functional assessments of this variant are not available in the literature. c.3061-3C>A has not been observed in referenced population frequency databases. In summary, there is insufficient evidence to classify NM_000053.3(ATP7B):c.3061-3C>A as pathogenic or benign. Please note: this variant was assessed in the context of healthy population screening.

Labcorp Genetics (formerly Invitae), Labcorp
Classification: Likely pathogenic for Wilson disease. Last evaluated: 2023-10-05. Review status: criteria provided, single submitter. Criteria: Invitae Variant Classification Sherloc (09022015). Collection method: clinical testing. Allele origin: germline.
Comment: This sequence change falls in intron 13 of the ATP7B gene. It does not directly change the encoded amino acid sequence of the ATP7B protein. It affects a nucleotide within the consensus splice site. This variant is not present in population databases (gnomAD no frequency). This variant has been observed in individual(s) with Wilson disease (PMID: 18034201, 27398169). This variant is also known as IVS13 - 3C>A. Variants that disrupt the consensus splice site are a relatively common cause of aberrant splicing (PMID: 17576681, 9536098). Algorithms developed to predict the effect of sequence changes on RNA splicing suggest that this variant may disrupt the consensus splice site. In summary, the currently available evidence indicates that the variant is pathogenic, but additional data are needed to prove that conclusively. Therefore, this variant has been classified as Likely Pathogenic.

Literature cited by the submitters: PubMed 18034201 (cited by Myriad Genetics, Inc. and Labcorp Genetics (formerly Invitae), Labcorp); PubMed 24718822 (cited by Myriad Genetics, Inc.); PubMed 27398169 (cited by Myriad Genetics, Inc. and Labcorp Genetics (formerly Invitae), Labcorp); PubMed 35220961 (cited by Myriad Genetics, Inc.); PubMed 17576681 (cited by Labcorp Genetics (formerly Invitae), Labcorp); PubMed 9536098 (cited by Labcorp Genetics (formerly Invitae), Labcorp).